The following is an entry in ClinVar:

ClinVar aggregate classification (germline): Pathogenic. Review status: criteria provided, single submitter (1 of 4 stars). 2 submissions from 2 submitters: Pathogenic (1). 1 of the submissions does not count toward it. Last evaluated 2022-10-04.

Conditions:
Phenylketonuria (PKU). Also called: Phenylketonuria (PKU); FOLLING DISEASE; OLIGOPHRENIA PHENYLPYRUVICA; Phenylketonurias. Identifiers: Orphanet 716, MedGen C0031485, MONDO:0009861, OMIM 261600. Disease mechanism: loss of function.

Allele frequency attached by ClinVar (database versions not stated): gnomAD exomes below 0.00001.
gnomAD v4.1: 1 of 1,613,732 alleles (0.000062%); highest among the groups gnomAD compares: Non-Finnish European, 0.000085%; no homozygotes.

Submissions (2):

Labcorp Genetics (formerly Invitae), Labcorp
Classification: Pathogenic for Phenylketonuria. Last evaluated: 2022-10-04. Review status: criteria provided, single submitter. Criteria: Invitae Variant Classification Sherloc (09022015). Collection method: clinical testing. Allele origin: germline.
Comment: For these reasons, this variant has been classified as Pathogenic. This variant disrupts the p.Ile164 amino acid residue in PAH. Other variant(s) that disrupt this residue have been determined to be pathogenic (PMID: 11244681, 23942198, 27121329; Invitae). This suggests that this residue is clinically significant, and that variants that disrupt this residue are likely to be disease-causing. This sequence change replaces isoleucine, which is neutral and non-polar, with threonine, which is neutral and polar, at codon 164 of the PAH protein (p.Ile164Thr). Advanced modeling of protein sequence and biophysical properties (such as structural, functional, and spatial information, amino acid conservation, physicochemical variation, residue mobility, and thermodynamic stability) performed at Invitae indicates that this missense variant is not expected to disrupt PAH protein function. ClinVar contains an entry for this variant (Variation ID: 102699). This missense change has been observed in individual(s) with hyperphenylalaninemia (PMID: 17502162, 32668217; BIOPKU). This variant is not present in population databases (gnomAD no frequency).

DeBelle Laboratory for Biochemical Genetics, MUHC/MCH RESEARCH INSTITUTE
No classification provided. Review status: no classification provided. Collection method: not provided. Allele origin: not provided. Not counted in ClinVar's aggregate classification.

Literature cited by the submitters: PubMed 11244681 (cited by Labcorp Genetics (formerly Invitae), Labcorp); PubMed 23942198 (cited by Labcorp Genetics (formerly Invitae), Labcorp); PubMed 27121329 (cited by Labcorp Genetics (formerly Invitae), Labcorp); PubMed 17502162 (cited by Labcorp Genetics (formerly Invitae), Labcorp); PubMed 32668217 (cited by Labcorp Genetics (formerly Invitae), Labcorp).

NM_000277.3(PAH):c.491T>C (p.Ile164Thr)

Gene: PAH (phenylalanine hydroxylase; minus strand). Cytogenetic location: 12q23.2.
Variant type: single nucleotide variant.
Coding change: c.491T>C on transcript NM_000277.3 (MANE Select); coding-DNA position 491, T replaced by C.
Protein change: p.Ile164Thr; replaces isoleucine 164 with threonine.
Molecular consequence: missense variant.
Genome position (GRCh38, 1-based): chr12:102,866,614, A>G on the plus strand (T>C on the coding strand, the complement: PAH is on the minus strand). VCF-style: chr12-102866614-A-G. GRCh37 (hg19) VCF-style: chr12-103260392-A-G.
Other names: c.491T>C, p.Ile164Thr (NM_001354304.2); short protein forms I164T.
Identifiers: ClinVar variation 102699 (VCV000102699.5), dbSNP rs199475595, ClinGen allele CA229578.
Genomic context (GRCh38, chr12:102,866,614, plus strand): 5'-TGTGTTTTTCTCTCTTCCCCTCAACAAGCAAGGCAGACTTACTGGCGGTAGTTGTAGGCA[A>G]TGTCAGCAAACTGCTTCCGTCTTGCACGGTACACAGGATCTTTAAAACCCTAGGAGAAAA-3'
Protein context (NP_000268.1, residues 154-174): YRARRKQFAD[Ile164Thr]AYNYRHGQPI